The following is an entry in ClinVar:

ClinVar aggregate classification (germline): Uncertain significance (1 of 4 stars; one submission).

gnomAD v4.1: 1 of 1,606,606 alleles (0.000062%); highest among the groups gnomAD compares: Non-Finnish European, 0.000085%; no homozygotes.

Submission:

Labcorp Genetics (formerly Invitae), Labcorp
Classification: Uncertain significance. Last evaluated: 2023-05-08. Review status: criteria provided, single submitter. Criteria: Invitae Variant Classification Sherloc (09022015). Collection method: clinical testing. Allele origin: germline.
Comment: This variant is not present in population databases (gnomAD no frequency). In summary, the available evidence is currently insufficient to determine the role of this variant in disease. Therefore, it has been classified as a Variant of Uncertain Significance. Experimental studies and prediction algorithms are not available or were not evaluated, and the functional significance of this variant is currently unknown. ClinVar contains an entry for this variant (Variation ID: 1356947). This variant has not been reported in the literature in individuals affected with COL18A1-related conditions. This sequence change replaces glutamic acid, which is acidic and polar, with glutamine, which is neutral and polar, at codon 264 of the COL18A1 protein (p.Glu264Gln).

NM_001379500.1(COL18A1):c.790G>C (p.Glu264Gln)

Gene: COL18A1 (collagen type XVIII alpha 1 chain; plus strand). Cytogenetic location: 21q22.3.
Variant type: single nucleotide variant.
Coding change: c.790G>C on transcript NM_001379500.1 (MANE Select); coding-DNA position 790, G replaced by C.
Protein change: p.Glu264Gln; replaces glutamic acid 264 with glutamine.
Molecular consequence: missense variant.
Genome position (GRCh38, 1-based): chr21:45,475,527, G>C. VCF-style: chr21-45475527-G-C. GRCh37 (hg19) VCF-style: chr21-46895441-G-C.
Other names: c.1330G>C, p.Glu444Gln (NM_030582.4); c.2035G>C, p.Glu679Gln (NM_130444.3); short protein forms E679Q, E264Q, E444Q.
Identifiers: ClinVar variation 1356947 (VCV001356947.6), dbSNP rs2145915674, ClinGen allele CA410513617.